The following is an entry in ClinVar:

NM_001005361.3(DNM2):c.860A>G (p.Asn287Ser)

Gene: DNM2 (dynamin 2; plus strand). Cytogenetic location: 19p13.2.
Variant type: single nucleotide variant.
Coding change: c.860A>G on transcript NM_001005361.3 (MANE Select); coding-DNA position 860, A replaced by G.
Protein change: p.Asn287Ser; replaces asparagine 287 with serine.
Molecular consequence: missense variant.
Genome position (GRCh38, 1-based): chr19:10,786,574, A>G. VCF-style: chr19-10786574-A-G. GRCh37 (hg19) VCF-style: chr19-10897250-A-G.
Other names: c.860A>G, p.Asn287Ser (NM_001005360.3, NM_001005362.3, NM_001190716.2 and 1 more transcripts); short protein forms N287S.
Identifiers: ClinVar variation 1442282 (VCV001442282.8), dbSNP rs1224102421, ClinGen allele CA404046159.
Genomic context (GRCh38, chr19:10,786,574, plus strand): 5'-TGGTATCCTGCCCATGCCACCCTTTCTGATCTCTGACCTCTCTCCTGCAGCAACTGACCA[A>G]CCACATCCGGGAGTCGCTGCCGGCCCTACGTAGCAAACTACAGAGCCAGCTGCTGTCCCT-3'
Protein context (NP_001005361.1, residues 277-297): LQKTLNQQLT[Asn287Ser]HIRESLPALR

ClinVar aggregate classification (germline): Uncertain significance (1 of 4 stars; one submission).

Conditions:
Charcot-Marie-Tooth disease dominant intermediate B (CMTDIB). Also called: Charcot-Marie-Tooth disease dominant intermediate 1; CMT DI1; Charcot-Marie-Tooth disease dominant intermediate I; CHARCOT-MARIE-TOOTH NEUROPATHY, DOMINANT INTERMEDIATE B. Identifiers: Orphanet 100044, Orphanet 228179, MedGen C1847902, MONDO:0011674, OMIM 606482.

Allele frequency attached by ClinVar (database versions not stated): gnomAD exomes below 0.00001.
gnomAD v4.1: 6 of 1,613,950 alleles (0.00037%); highest among the groups gnomAD compares: Admixed American, 0.0017%; no homozygotes.

Submission:

Labcorp Genetics (formerly Invitae), Labcorp
Classification: Uncertain significance for Charcot-Marie-Tooth disease dominant intermediate B. Last evaluated: 2024-11-11. Review status: criteria provided, single submitter. Criteria: Invitae Variant Classification Sherloc (09022015). Collection method: clinical testing. Allele origin: germline.
Comment: This sequence change replaces asparagine, which is neutral and polar, with serine, which is neutral and polar, at codon 287 of the DNM2 protein (p.Asn287Ser). This variant is present in population databases (no rsID available, gnomAD 0.003%). This variant has not been reported in the literature in individuals affected with DNM2-related conditions. ClinVar contains an entry for this variant (Variation ID: 1442282). Invitae Evidence Modeling of protein sequence and biophysical properties (such as structural, functional, and spatial information, amino acid conservation, physicochemical variation, residue mobility, and thermodynamic stability) has been performed for this missense variant. However, the output from this modeling did not meet the statistical confidence thresholds required to predict the impact of this variant on DNM2 protein function. In summary, the available evidence is currently insufficient to determine the role of this variant in disease. Therefore, it has been classified as a Variant of Uncertain Significance.